The following is an entry in ClinVar:

NM_004281.4(BAG3):c.130A>C (p.Ser44Arg)

Gene: BAG3 (BAG cochaperone 3; plus strand). Cytogenetic location: 10q26.11.
Variant type: single nucleotide variant.
Coding change: c.130A>C on transcript NM_004281.4 (MANE Select); coding-DNA position 130, A replaced by C.
Protein change: p.Ser44Arg; replaces serine 44 with arginine.
Molecular consequence: missense variant.
Genome position (GRCh38, 1-based): chr10:119,651,805, A>C. VCF-style: chr10-119651805-A-C. GRCh37 (hg19) VCF-style: chr10-121411317-A-C.
Other names: short protein forms S44R.
Identifiers: ClinVar variation 3756600 (VCV003756600.2).

ClinVar aggregate classification (germline): Uncertain significance (1 of 4 stars; one submission).

Conditions:
Myofibrillar myopathy 6. Identifiers: Orphanet 199340, MedGen C2751831, MONDO:0013061, OMIM 612954.
Dilated cardiomyopathy 1HH (CMD1HH). Identifiers: Orphanet 154, MedGen C3151293, MONDO:0013479, OMIM 613881.

Submission:

Labcorp Genetics (formerly Invitae), Labcorp
Classification: Uncertain significance for Dilated cardiomyopathy 1HH; Myofibrillar myopathy 6. Last evaluated: 2024-09-06. Review status: criteria provided, single submitter. Criteria: Invitae Variant Classification Sherloc (09022015). Collection method: clinical testing. Allele origin: germline.
Comment: This sequence change replaces serine, which is neutral and polar, with arginine, which is basic and polar, at codon 44 of the BAG3 protein (p.Ser44Arg). This variant is not present in population databases (gnomAD no frequency). This variant has not been reported in the literature in individuals affected with BAG3-related conditions. An algorithm developed to predict the effect of missense changes on protein structure and function (PolyPhen-2) suggests that this variant is likely to be disruptive. In summary, the available evidence is currently insufficient to determine the role of this variant in disease. Therefore, it has been classified as a Variant of Uncertain Significance.